The following is an entry in ClinVar:

ClinVar aggregate classification (germline): Uncertain significance. Review status: criteria provided, multiple submitters, no conflicts (2 of 4 stars). 2 submissions from 2 submitters: Uncertain significance (2). Last evaluated 2025-10-24.

Allele frequency attached by ClinVar (database versions not stated): ExAC 0.00002; ESP Exome Variant Server 0.00008; gnomAD 0.00001; TOPMed 0.00002.
gnomAD v4.1: 16 of 1,614,068 alleles (0.00099%); highest among the groups gnomAD compares: Middle Eastern, 0.033%; no homozygotes.

Submissions (2):

Ambry Genetics
Classification: Uncertain significance. Last evaluated: 2025-10-24. Review status: criteria provided, single submitter. Criteria: Ambry Variant Classification Scheme 2023. Collection method: clinical testing. Allele origin: germline.

Labcorp Genetics (formerly Invitae), Labcorp
Classification: Uncertain significance. Last evaluated: 2021-08-07. Review status: criteria provided, single submitter. Criteria: Invitae Variant Classification Sherloc (09022015). Collection method: clinical testing. Allele origin: germline.
Comment: This variant is present in population databases (rs143606238, ExAC 0.006%). This sequence change replaces arginine with cysteine at codon 203 of the LRRC10 protein (p.Arg203Cys). The arginine residue is moderately conserved and there is a large physicochemical difference between arginine and cysteine. This variant has not been reported in the literature in individuals affected with LRRC10-related conditions. Algorithms developed to predict the effect of missense changes on protein structure and function output the following: SIFT: "Tolerated"; PolyPhen-2: "Benign"; Align-GVGD: "Class C0". The cysteine amino acid residue is found in multiple mammalian species, which suggests that this missense change does not adversely affect protein function. In summary, the available evidence is currently insufficient to determine the role of this variant in disease. Therefore, it has been classified as a Variant of Uncertain Significance.

NM_201550.4(LRRC10):c.607C>T (p.Arg203Cys)

Gene: LRRC10 (leucine rich repeat containing 10; minus strand). Cytogenetic location: 12q15.
Variant type: single nucleotide variant.
Coding change: c.607C>T on transcript NM_201550.4 (MANE Select); coding-DNA position 607, C replaced by T.
Protein change: p.Arg203Cys; replaces arginine 203 with cysteine.
Molecular consequence: missense variant.
Genome position (GRCh38, 1-based): chr12:69,610,232, G>A on the plus strand (C>T on the coding strand, the complement: LRRC10 is on the minus strand). VCF-style: chr12-69610232-G-A. GRCh37 (hg19) VCF-style: chr12-70004012-G-A.
Other names: c.607C>T (NM_201550.2); short protein forms R203C.
Identifiers: ClinVar variation 1389186 (VCV001389186.7), dbSNP rs143606238, ClinGen allele CA6681037.